The following is an entry in ClinVar:

ClinVar aggregate classification (germline): Conflicting classifications of pathogenicity. Review status: criteria provided, conflicting classifications (1 of 4 stars). 2 submissions from 2 submitters: Pathogenic (1); Uncertain significance (1). Last evaluated 2025-04-02.

Conditions:
Hereditary cancer-predisposing syndrome. Also called: Neoplastic Syndromes, Hereditary; Tumor predisposition; Hereditary neoplastic syndrome; Hereditary Cancer Syndrome. Identifiers: Orphanet 140162, MedGen C0027672, MeSH D009386, MONDO:0015356.

Allele frequency attached by ClinVar (database versions not stated): TOPMed below 0.00001; gnomAD 0.00001.

Submissions (2):

Labcorp Genetics (formerly Invitae), Labcorp
Classification: Pathogenic. Last evaluated: 2025-04-02. Review status: criteria provided, single submitter. Criteria: Invitae Variant Classification Sherloc (09022015). Collection method: clinical testing. Allele origin: germline.
Comment: This sequence change creates a premature translational stop signal (p.Val1745Serfs*16) in the POLE gene. It is expected to result in an absent or disrupted protein product. Loss-of-function variants in POLE are known to be pathogenic (PMID: 23230001, 25948378, 30503519). This variant is not present in population databases (gnomAD no frequency). This variant has not been reported in the literature in individuals affected with POLE-related conditions. ClinVar contains an entry for this variant (Variation ID: 825572). For these reasons, this variant has been classified as Pathogenic.

Ambry Genetics
Classification: Uncertain significance for Hereditary cancer-predisposing syndrome. Last evaluated: 2025-01-15. Review status: criteria provided, single submitter. Criteria: Ambry Variant Classification Scheme 2023. Collection method: clinical testing. Allele origin: germline.
Comment: The c.5233delG variant, located in coding exon 39 of the POLE gene, results from a deletion of one nucleotide at nucleotide position 5233, causing a translational frameshift with a predicted alternate stop codon (p.V1745Sfs*16). This alteration is expected to result in loss of function by premature protein truncation or nonsense-mediated mRNA decay. Loss-of-function variants subject to nonsense mediated decay (NMD) in POLE are known to cause POLE deficiency; however, such associations with POLE-related polymerase proofreading-associated polyposis (PPAP) have not been reported. Based on the supporting evidence, this alteration is pathogenic for POLE deficiency; however, the association of this alteration with POLE-related polymerase proofreading-associated polyposis (PPAP) is unknown.

Literature cited by the submitters: PubMed 23230001 (cited by Labcorp Genetics (formerly Invitae), Labcorp); PubMed 25948378 (cited by Labcorp Genetics (formerly Invitae), Labcorp); PubMed 30503519 (cited by Labcorp Genetics (formerly Invitae), Labcorp).

NM_006231.4(POLE):c.5233del (p.Val1745fs)

Gene: POLE (DNA polymerase epsilon, catalytic subunit; minus strand). Cytogenetic location: 12q24.33.
Variant type: Deletion.
Coding change: c.5233del on transcript NM_006231.4 (MANE Select); coding-DNA position 5233, one base deleted (G; older notation c.5233delG).
Protein change: p.Val1745fs; shifts the reading frame from valine 1745.
Molecular consequence: frameshift variant.
Genome position (GRCh38, 1-based): chr12:132,641,792, C deleted on the plus strand (G on the coding strand, the reverse complement: POLE is on the minus strand). VCF-style (leftmost placement, unchanged base first): chr12-132641791-AC-A. GRCh37 (hg19) VCF-style: chr12-133218377-AC-A.
Other names: short protein forms V1745fs.
Identifiers: ClinVar variation 825572 (VCV000825572.15), dbSNP rs1426234144, ClinGen allele CA685535899.